The following is an entry in ClinVar:

NM_001085487.3(MYSM1):c.2318G>T (p.Cys773Phe)

Gene: MYSM1 (Myb like, SWIRM and MPN domains 1; minus strand). Cytogenetic location: 1p32.1.
Variant type: single nucleotide variant.
Coding change: c.2318G>T on transcript NM_001085487.3 (MANE Select); coding-DNA position 2318, G replaced by T.
Protein change: p.Cys773Phe; replaces cysteine 773 with phenylalanine.
Molecular consequence: missense variant.
Genome position (GRCh38, 1-based): chr1:58,661,180, C>A on the plus strand (G>T on the coding strand, the complement: MYSM1 is on the minus strand). VCF-style: chr1-58661180-C-A. GRCh37 (hg19) VCF-style: chr1-59126852-C-A.
Other names: c.2318G>T (NM_001085487.2); short protein forms C773F.
Identifiers: ClinVar variation 1931880 (VCV001931880.6), dbSNP rs912722517, ClinGen allele CA22858134.

ClinVar aggregate classification (germline): Uncertain significance. Review status: criteria provided, multiple submitters, no conflicts (2 of 4 stars). 2 submissions from 2 submitters: Uncertain significance (2). Last evaluated 2025-12-08.

Conditions:
Inborn genetic diseases. Identifiers: MedGen C0950123, MeSH D030342.

Allele frequency attached by ClinVar (database versions not stated): TOPMed 0.00001.
gnomAD v4.1: 4 of 1,612,826 alleles (0.00025%); no homozygotes.

Submissions (2):

Ambry Genetics
Classification: Uncertain significance for Inborn genetic diseases. Last evaluated: 2025-12-08. Review status: criteria provided, single submitter. Criteria: Ambry Variant Classification Scheme 2023. Collection method: clinical testing. Allele origin: germline.

Labcorp Genetics (formerly Invitae), Labcorp
Classification: Uncertain significance. Last evaluated: 2023-12-19. Review status: criteria provided, single submitter. Criteria: Invitae Variant Classification Sherloc (09022015). Collection method: clinical testing. Allele origin: germline.
Comment: This sequence change replaces cysteine, which is neutral and slightly polar, with phenylalanine, which is neutral and non-polar, at codon 773 of the MYSM1 protein (p.Cys773Phe). This variant is not present in population databases (gnomAD no frequency). This variant has not been reported in the literature in individuals affected with MYSM1-related conditions. ClinVar contains an entry for this variant (Variation ID: 1931880). Advanced modeling of protein sequence and biophysical properties (such as structural, functional, and spatial information, amino acid conservation, physicochemical variation, residue mobility, and thermodynamic stability) has been performed at Invitae for this missense variant, however the output from this modeling did not meet the statistical confidence thresholds required to predict the impact of this variant on MYSM1 protein function. In summary, the available evidence is currently insufficient to determine the role of this variant in disease. Therefore, it has been classified as a Variant of Uncertain Significance.